The following is an entry in ClinVar:

NM_138773.4(SLC25A46):c.56G>T (p.Arg19Leu)

Gene: SLC25A46 (solute carrier family 25 member 46; plus strand). Cytogenetic location: 5q22.1.
Variant type: single nucleotide variant.
Coding change: c.56G>T on transcript NM_138773.4 (MANE Select); coding-DNA position 56, G replaced by T.
Protein change: p.Arg19Leu; replaces arginine 19 with leucine.
Molecular consequence: missense variant. On other transcripts: non-coding transcript variant (1), intron variant (1).
Genome position (GRCh38, 1-based): chr5:110,739,175, G>T. VCF-style: chr5-110739175-G-T. GRCh37 (hg19) VCF-style: chr5-110074876-G-T.
Other names: c.56G>T, p.Arg19Leu (NM_001303249.3); c.10+928G>T (NM_001303250.3); short protein forms R19L.
Identifiers: ClinVar variation 1933703 (VCV001933703.5), dbSNP rs1422012692, ClinGen allele CA360693051.

ClinVar aggregate classification (germline): Uncertain significance (1 of 4 stars; one submission).

Conditions:
Neuropathy, hereditary motor and sensory, type 6B (HMSN6B). Also called: NEUROPATHY, HEREDITARY MOTOR AND SENSORY, TYPE VIB, WITH OPTIC ATROPHY; HMSN VIB; CHARCOT-MARIE-TOOTH DISEASE, TYPE 6B; Neuropathy, hereditary motor and sensory, type VIB. Identifiers: MedGen C4225302, MONDO:0014671, OMIM 616505.

Allele frequency attached by ClinVar (database versions not stated): gnomAD exomes 0.00001.
gnomAD v4.1: 4 of 1,551,158 alleles (0.00026%); highest among the groups gnomAD compares: Admixed American, 0.0059%; no homozygotes.

Submission:

Labcorp Genetics (formerly Invitae), Labcorp
Classification: Uncertain significance for Neuropathy, hereditary motor and sensory, type 6B. Last evaluated: 2024-12-16. Review status: criteria provided, single submitter. Criteria: Invitae Variant Classification Sherloc (09022015). Collection method: clinical testing. Allele origin: germline.
Comment: This sequence change replaces arginine, which is basic and polar, with leucine, which is neutral and non-polar, at codon 19 of the SLC25A46 protein (p.Arg19Leu). The frequency data for this variant in the population databases is considered unreliable, as metrics indicate poor data quality at this position in the gnomAD database. This variant has not been reported in the literature in individuals affected with SLC25A46-related conditions. ClinVar contains an entry for this variant (Variation ID: 1933703). An algorithm developed to predict the effect of missense changes on protein structure and function (PolyPhen-2) suggests that this variant is likely to be tolerated. In summary, the available evidence is currently insufficient to determine the role of this variant in disease. Therefore, it has been classified as a Variant of Uncertain Significance.